The following is an entry in ClinVar:

NM_003238.6(TGFB2):c.686G>T (p.Cys229Phe)

Gene: TGFB2 (transforming growth factor beta 2; plus strand). Cytogenetic location: 1q41.
Variant type: single nucleotide variant.
Coding change: c.686G>T on transcript NM_003238.6 (MANE Select); coding-DNA position 686, G replaced by T.
Protein change: p.Cys229Phe; replaces cysteine 229 with phenylalanine.
Molecular consequence: missense variant. On other transcripts: non-coding transcript variant (2).
Genome position (GRCh38, 1-based): chr1:218,434,380, G>T. VCF-style: chr1-218434380-G-T. GRCh37 (hg19) VCF-style: chr1-218607722-G-T.
Other names: c.770G>T, p.Cys257Phe (NM_001135599.4); short protein forms C257F, C229F.
Identifiers: ClinVar variation 649001 (VCV000649001.15), dbSNP rs1185241582, ClinGen allele CA344726820.

ClinVar aggregate classification (germline): Uncertain significance. Review status: criteria provided, multiple submitters, no conflicts (2 of 4 stars). 3 submissions from 3 submitters: Uncertain significance (3). Last evaluated 2025-01-13.

Conditions:
Familial thoracic aortic aneurysm and aortic dissection (TAAD). Also called: Thoracic aortic aneurysms and dissections. Identifiers: Orphanet 91387, MedGen C4707243, MONDO:0019625.
Loeys-Dietz syndrome 4 (LDS4). Also called: ANEURYSM, AORTIC AND CEREBRAL, WITH ARTERIAL TORTUOSITY AND SKELETAL MANIFESTATIONS; TGFB2-Related Loeys-Dietz Syndrome. Identifiers: MedGen C3553762, MONDO:0013897, OMIM 614816.

Allele frequency attached by ClinVar (database versions not stated): gnomAD 0.00001; TOPMed 0.00001.
gnomAD v4.1: 2 of 1,613,830 alleles (0.00012%); highest among the groups gnomAD compares: African/African-American, 0.0013%; no homozygotes.

Submissions (3):

Ambry Genetics
Classification: Uncertain significance for Familial thoracic aortic aneurysm and aortic dissection. Last evaluated: 2025-01-13. Review status: criteria provided, single submitter. Criteria: Ambry Variant Classification Scheme 2023. Collection method: clinical testing. Allele origin: germline.
Comment: The p.C229F variant (also known as c.686G>T), located in coding exon 4 of the TGFB2 gene, results from a G to T substitution at nucleotide position 686. The cysteine at codon 229 is replaced by phenylalanine, an amino acid with highly dissimilar properties. This amino acid position is conserved. In addition, this alteration is predicted to be deleterious by in silico analysis. Based on the available evidence, the clinical significance of this variant remains unclear.

GeneDx
Classification: Uncertain significance. Last evaluated: 2024-12-26. Review status: criteria provided, single submitter. Criteria: GeneDx Variant Classification Process June 2021. Collection method: clinical testing. Allele origin: germline. Affected: yes.
Comment: Has not been previously published as pathogenic or benign to our knowledge; Not observed at significant frequency in large population cohorts (gnomAD); In silico analysis indicates that this missense variant does not alter protein structure/function

Labcorp Genetics (formerly Invitae), Labcorp
Classification: Uncertain significance for Loeys-Dietz syndrome 4. Last evaluated: 2024-08-20. Review status: criteria provided, single submitter. Criteria: Invitae Variant Classification Sherloc (09022015). Collection method: clinical testing. Allele origin: germline.
Comment: This sequence change replaces cysteine, which is neutral and slightly polar, with phenylalanine, which is neutral and non-polar, at codon 229 of the TGFB2 protein (p.Cys229Phe). This variant is not present in population databases (gnomAD no frequency). This variant has not been reported in the literature in individuals affected with TGFB2-related conditions. ClinVar contains an entry for this variant (Variation ID: 649001). Invitae Evidence Modeling of protein sequence and biophysical properties (such as structural, functional, and spatial information, amino acid conservation, physicochemical variation, residue mobility, and thermodynamic stability) indicates that this missense variant is not expected to disrupt TGFB2 protein function with a negative predictive value of 80%. In summary, the available evidence is currently insufficient to determine the role of this variant in disease. Therefore, it has been classified as a Variant of Uncertain Significance.